The following is an entry in ClinVar:

NM_001127208.3(TET2):c.451G>A (p.Val151Met)

Genes: TET2 (tet methylcytosine dioxygenase 2; plus strand), TET2-AS1 (TET2 antisense RNA 1; minus strand). Cytogenetic location: 4q24.
Variant type: single nucleotide variant.
Coding change: c.451G>A on transcript NM_001127208.3 (MANE Select); coding-DNA position 451, G replaced by A.
Protein change: p.Val151Met; replaces valine 151 with methionine.
Molecular consequence: missense variant.
Genome position (GRCh38, 1-based): chr4:105,234,393, G>A. VCF-style: chr4-105234393-G-A. GRCh37 (hg19) VCF-style: chr4-106155550-G-A.
Other names: c.451G>A, p.Val151Met (NM_017628.4); short protein forms V151M.
Identifiers: ClinVar variation 5030782 (VCV005030782.1).

ClinVar aggregate classification (germline): Uncertain significance (1 of 4 stars; one submission).

gnomAD v4.1: 1 of 1,614,070 alleles (0.000062%); highest among the groups gnomAD compares: Non-Finnish European, 0.000085%; no homozygotes.

Submission:

Ambry Genetics
Classification: Uncertain significance. Last evaluated: 2026-09-07. Review status: criteria provided, single submitter. Criteria: Ambry Variant Classification Scheme 2023. Collection method: clinical testing. Allele origin: germline.
Comment: The p.V151M variant (also known as c.451G>A), located in coding exon 1 of the TET2 gene, results from a G to A substitution at nucleotide position 451. The valine at codon 151 is replaced by methionine, an amino acid with highly similar properties. This amino acid position is conserved. In addition, this alteration is predicted to be tolerated by in silico analysis. Based on the available evidence, the clinical significance of this variant remains unclear.